The following is an entry in ClinVar:

NM_033109.5(PNPT1):c.1325G>A (p.Gly442Asp)

Gene: PNPT1 (polyribonucleotide nucleotidyltransferase 1; minus strand). Cytogenetic location: 2p16.1.
Variant type: single nucleotide variant.
Coding change: c.1325G>A on transcript NM_033109.5 (MANE Select); coding-DNA position 1325, G replaced by A.
Protein change: p.Gly442Asp; replaces glycine 442 with aspartic acid.
Molecular consequence: missense variant.
Genome position (GRCh38, 1-based): chr2:55,656,331, C>T on the plus strand (G>A on the coding strand, the complement: PNPT1 is on the minus strand). VCF-style: chr2-55656331-C-T. GRCh37 (hg19) VCF-style: chr2-55883466-C-T.
Other names: short protein forms G442D.
Identifiers: ClinVar variation 1414430 (VCV001414430.8), dbSNP rs2104072847, ClinGen allele CA346927382.

ClinVar aggregate classification (germline): Uncertain significance (1 of 4 stars; one submission).

Allele frequency attached by ClinVar (database versions not stated): gnomAD exomes below 0.00001.
gnomAD v4.1: 2 of 1,610,066 alleles (0.00012%); highest among the groups gnomAD compares: Non-Finnish European, 0.00017%; no homozygotes.

Submission:

Labcorp Genetics (formerly Invitae), Labcorp
Classification: Uncertain significance. Last evaluated: 2020-11-21. Review status: criteria provided, single submitter. Criteria: Invitae Variant Classification Sherloc (09022015). Collection method: clinical testing. Allele origin: germline.
Comment: In summary, the available evidence is currently insufficient to determine the role of this variant in disease. Therefore, it has been classified as a Variant of Uncertain Significance. Advanced modeling of protein sequence and biophysical properties (such as structural, functional, and spatial information, amino acid conservation, physicochemical variation, residue mobility, and thermodynamic stability) performed at Invitae indicates that this missense variant is expected to disrupt PNPT1 protein function. This variant has not been reported in the literature in individuals with PNPT1-related conditions. This variant is not present in population databases (ExAC no frequency). This sequence change replaces glycine with aspartic acid at codon 442 of the PNPT1 protein (p.Gly442Asp). The glycine residue is highly conserved and there is a moderate physicochemical difference between glycine and aspartic acid.